The following is an entry in ClinVar:

ClinVar aggregate classification (germline): Uncertain significance (1 of 4 stars; one submission).

Submission:

Ambry Genetics
Classification: Uncertain significance. Last evaluated: 2026-08-08. Review status: criteria provided, single submitter. Criteria: Ambry Variant Classification Scheme 2023. Collection method: clinical testing. Allele origin: germline.
Comment: The p.T58I variant (also known as c.173C>T), located in coding exon 2 of the FAM175A gene, results from a C to T substitution at nucleotide position 173. The threonine at codon 58 is replaced by isoleucine, an amino acid with similar properties. This amino acid position is conserved. In addition, this alteration is predicted to be deleterious by in silico analysis. Based on the available evidence, the clinical significance of this variant remains unclear.

NM_139076.3(ABRAXAS1):c.173C>T (p.Thr58Ile)

Gene: ABRAXAS1 (abraxas 1, BRCA1 A complex subunit; minus strand). Cytogenetic location: 4q21.23.
Variant type: single nucleotide variant.
Coding change: c.173C>T on transcript NM_139076.3 (MANE Select); coding-DNA position 173, C replaced by T.
Protein change: p.Thr58Ile; replaces threonine 58 with isoleucine.
Molecular consequence: missense variant. On other transcripts: 5 prime UTR variant (1).
Genome position (GRCh38, 1-based): chr4:83,482,159, G>A on the plus strand (C>T on the coding strand, the complement: ABRAXAS1 is on the minus strand). VCF-style: chr4-83482159-G-A. GRCh37 (hg19) VCF-style: chr4-84403312-G-A.
Other names: c.-88C>T (NM_001345962.2); short protein forms T58I.
Identifiers: ClinVar variation 5029111 (VCV005029111.1).